The following is an entry in ClinVar:

NM_000517.6(HBA2):c.427_429delinsCAT (p.Ter143His)

Genes: HBA2 (hemoglobin subunit alpha 2; plus strand), LOC106804612 (hemoglobin subunit alpha 2 recombination region; plus strand). Cytogenetic location: 16p13.3.
Variant type: Indel.
Coding change: c.427_429delinsCAT on transcript NM_000517.6 (MANE Select); coding-DNA positions 427 to 429, TAA replaced by CAT.
Protein change: p.Ter143His.
Molecular consequence: stop lost.
Genome position (GRCh38, 1-based): chr16:173,598-173,600, TAA replaced by CAT. VCF-style: chr16-173598-TAA-CAT. GRCh37 (hg19) VCF-style: chr16-223597-TAA-CAT.
Identifiers: ClinVar variation 3896574 (VCV003896574.2).

ClinVar aggregate classification (germline): Likely pathogenic (1 of 4 stars; one submission).

Conditions:
alpha Thalassemia. Also called: Alpha thalassemia spectrum. Identifiers: Orphanet 846, MedGen C0002312, MONDO:0011399, OMIM 604131.

Submission:

Women's Health and Genetics/Laboratory Corporation of America, LabCorp
Classification: Likely pathogenic for alpha Thalassemia. Last evaluated: 2025-04-01. Review status: criteria provided, single submitter. Criteria: LabCorp Variant Classification Summary - May 2015. Collection method: clinical testing. Allele origin: germline.
Comment: Variant summary: HBA2 c.427_429delinsCAT (p.X143HisextX31) changes the termination codon and is predicted to lead to an extended protein with 31 additional amino acids added to the normal C-terminus. Several other stop-loss (aka readthrough) variants that disrupt the termination codon and result in a similarly extended protein product, have been classified as pathogenic by our lab and/or others in ClinVar, suggesting a common disease mechanism for similarly extended protein products. The variant was absent in 1601344 control chromosomes. The variant, described as c.[427T>C;429A>T] (aka. Hb Zurich-Altstetten), has been reported in heterozygous state in an individual affected with mild anemia, with the laboratory signs of mild hypochromia and microcytosis (in the HbVar database, HbVar ID 1138), which is consistent with alpha thalassemia trait (alpha thalassemia minor), and was postulated to result from a second alteration (A>T) on Hb Constant Spring (c.427T>C). To our knowledge, no experimental evidence demonstrating an impact on protein function has been reported. No submitters have cited clinical-significance assessments for this variant to ClinVar. Based on the evidence outlined above, the variant was classified as likely pathogenic.